The following is an entry in ClinVar:

ClinVar aggregate classification (germline): Uncertain significance (1 of 4 stars; one submission).

Conditions:
Idiopathic generalized epilepsy. Also called: EIG; Generalised epilepsy. Identifiers: MedGen C0270850, MONDO:0005579, OMIM 600669.
Hyperaldosteronism, familial, type IV (HALD4). Also called: FH IV; ALDOSTERONISM, PRIMARY, AND HYPERTENSION. Identifiers: Orphanet 642671, MedGen C4310756, MONDO:0014875, OMIM 617027.

Submission:

Labcorp Genetics (formerly Invitae), Labcorp
Classification: Uncertain significance for Idiopathic generalized epilepsy; Hyperaldosteronism, familial, type IV. Last evaluated: 2020-04-06. Review status: criteria provided, single submitter. Criteria: Invitae Variant Classification Sherloc (09022015). Collection method: clinical testing. Allele origin: germline.
Comment: This variant has not been reported in the literature in individuals with CACNA1H-related conditions. In summary, the available evidence is currently insufficient to determine the role of this variant in disease. Therefore, it has been classified as a Variant of Uncertain Significance. Algorithms developed to predict the effect of missense changes on protein structure and function (SIFT, PolyPhen-2, Align-GVGD) all suggest that this variant is likely to be tolerated, but these predictions have not been confirmed by published functional studies and their clinical significance is uncertain. This variant is not present in population databases (ExAC no frequency). This sequence change replaces proline with leucine at codon 1590 of the CACNA1H protein (p.Pro1590Leu). The proline residue is moderately conserved and there is a moderate physicochemical difference between proline and leucine.

NM_021098.3(CACNA1H):c.4769C>T (p.Pro1590Leu)

Gene: CACNA1H (calcium voltage-gated channel subunit alpha1 H; plus strand). Cytogenetic location: 16p13.3.
Variant type: single nucleotide variant.
Coding change: c.4769C>T on transcript NM_021098.3 (MANE Select); coding-DNA position 4769, C replaced by T.
Protein change: p.Pro1590Leu; replaces proline 1590 with leucine.
Molecular consequence: missense variant. On other transcripts: intron variant (1).
Genome position (GRCh38, 1-based): chr16:1,212,520, C>T. VCF-style: chr16-1212520-C-T. GRCh37 (hg19) VCF-style: chr16-1262520-C-T.
Other names: c.4759+382C>T (NM_001005407.2); short protein forms P1590L.
Identifiers: ClinVar variation 1040918 (VCV001040918.8), dbSNP rs1969579859, ClinGen allele CA394181473.
Genomic context (GRCh38, chr16:1,212,520, plus strand): 5'-GCCCGAGTGCGCCACGCCCTCGGCCCTCAGACCATCTCCTTGTCTTTCCAGGCACTTTCC[C>T]CAGCCCAGGTACCGGCCCTGTCCCGCATGCCTCAGGCCCCGCTTCTGCGGCCGCTGCTCG-3'
Protein context (NP_066921.2, residues 1580-1600): RLERRRRSTF[Pro1590Leu]SPEAQRRPYY